The following is an entry in ClinVar:

NM_006389.5(HYOU1):c.1665+3G>A

Gene: HYOU1 (hypoxia up-regulated 1; minus strand). Cytogenetic location: 11q23.3.
Variant type: single nucleotide variant.
Coding change: c.1665+3G>A on transcript NM_006389.5 (MANE Select); 3 bases into the intron after coding-DNA position 1665, G replaced by A.
Molecular consequence: intron variant.
Genome position (GRCh38, 1-based): chr11:119,051,032, C>T on the plus strand (G>A on the coding strand, the complement: HYOU1 is on the minus strand). VCF-style: chr11-119051032-C-T. GRCh37 (hg19) VCF-style: chr11-118921744-C-T.
Other names: c.1665+3G>A (NM_001130991.3).
Identifiers: ClinVar variation 1433812 (VCV001433812.6), dbSNP rs1944408671, ClinGen allele CA942780452.

ClinVar aggregate classification (germline): Uncertain significance (1 of 4 stars; one submission).

Allele frequency attached by ClinVar (database versions not stated): gnomAD exomes below 0.00001; TOPMed below 0.00001; gnomAD 0.00002.

Submission:

Labcorp Genetics (formerly Invitae), Labcorp
Classification: Uncertain significance. Last evaluated: 2025-06-14. Review status: criteria provided, single submitter. Criteria: Invitae Variant Classification Sherloc (09022015). Collection method: clinical testing. Allele origin: germline.
Comment: This sequence change falls in intron 14 of the HYOU1 gene. It does not directly change the encoded amino acid sequence of the HYOU1 protein. It affects a nucleotide within the consensus splice site. This variant is not present in population databases (gnomAD no frequency). This variant has not been reported in the literature in individuals affected with HYOU1-related conditions. ClinVar contains an entry for this variant (Variation ID: 1433812). Variants that disrupt the consensus splice site are a relatively common cause of aberrant splicing (PMID: 17576681, 9536098). Algorithms developed to predict the effect of sequence changes on RNA splicing suggest that this variant is not likely to affect RNA splicing. In summary, the available evidence is currently insufficient to determine the role of this variant in disease. Therefore, it has been classified as a Variant of Uncertain Significance.

Literature cited by the submitters: PubMed 17576681; PubMed 9536098.